The following is an entry in ClinVar:

ClinVar aggregate classification (germline): Uncertain significance (1 of 4 stars; one submission).

Conditions:
Gastrointestinal stromal tumor. Also called: Gastrointestinal stroma tumor; Gastrointestinal stromal tumor, somatic. Identifiers: Orphanet 44890, MedGen C0238198, MeSH D046152, MONDO:0011719, OMIM 606764, HP:0100723.

Submission:

Labcorp Genetics (formerly Invitae), Labcorp
Classification: Uncertain significance for Gastrointestinal stromal tumor. Last evaluated: 2021-08-02. Review status: criteria provided, single submitter. Criteria: Invitae Variant Classification Sherloc (09022015). Collection method: clinical testing. Allele origin: germline.
Comment: This variant is not present in population databases (ExAC no frequency). This sequence change creates a premature translational stop signal (p.Arg383Thrfs*3) in the PDGFRA gene. It is expected to result in an absent or disrupted protein product. However, the current clinical and genetic evidence is not sufficient to establish whether loss-of-function variants in PDGFRA cause disease. In summary, the available evidence is currently insufficient to determine the role of this variant in disease. Therefore, it has been classified as a Variant of Uncertain Significance. This variant has not been reported in the literature in individuals affected with PDGFRA-related conditions.

NM_006206.6(PDGFRA):c.1146_1147insA (p.Arg383fs)

Gene: PDGFRA (platelet derived growth factor receptor alpha; plus strand). Cytogenetic location: 4q12.
Variant type: Insertion.
Coding change: c.1146_1147insA on transcript NM_006206.6 (MANE Select); coding-DNA positions 1146 to 1147, A inserted.
Protein change: p.Arg383fs; shifts the reading frame from arginine 383.
Molecular consequence: frameshift variant.
Genome position: GRCh38 VCF-style: chr4-54270657-C-CA. GRCh37 (hg19) VCF-style: chr4-55136824-C-CA.
Other names: c.1146_1147insA, p.Arg383fs (NM_001347827.2, NM_001347829.2); c.1221_1222insA, p.Arg408fs (NM_001347828.2); c.1185_1186insA, p.Arg396fs (NM_001347830.2); short protein forms R396fs, R408fs, R383fs.
Identifiers: ClinVar variation 1474757 (VCV001474757.6), dbSNP rs2110279440, ClinGen allele CA2573137810.